The following is an entry in ClinVar:

NM_003193.5(TBCE):c.1426G>A (p.Gly476Arg)

Genes: B3GALNT2 (beta-1,3-N-acetylgalactosaminyltransferase 2; minus strand), TBCE (tubulin folding cofactor E; plus strand). Cytogenetic location: 1q42.3.
Variant type: single nucleotide variant.
Coding change: c.1426G>A on transcript NM_003193.5 (MANE Select); coding-DNA position 1426, G replaced by A.
Protein change: p.Gly476Arg; replaces glycine 476 with arginine.
Molecular consequence: missense variant. On other transcripts: 3 prime UTR variant (1).
Genome position (GRCh38, 1-based): chr1:235,448,375, G>A. VCF-style: chr1-235448375-G-A. GRCh37 (hg19) VCF-style: chr1-235611690-G-A.
Other names: c.*1831C>T (NM_152490.5); c.1426G>A, p.Gly476Arg (NM_001079515.3); c.1579G>A, p.Gly527Arg (NM_001287801.2); c.1087G>A, p.Gly363Arg (NM_001287802.2); short protein forms G476R, G363R, G527R.
Identifiers: ClinVar variation 3662654 (VCV003662654.2).

ClinVar aggregate classification (germline): Uncertain significance (1 of 4 stars; one submission).

gnomAD v4.1: 1 of 1,614,100 alleles (0.000062%); highest among the groups gnomAD compares: South Asian, 0.0011%; no homozygotes.

Submission:

Labcorp Genetics (formerly Invitae), Labcorp
Classification: Uncertain significance. Last evaluated: 2024-08-16. Review status: criteria provided, single submitter. Criteria: Invitae Variant Classification Sherloc (09022015). Collection method: clinical testing. Allele origin: germline.
Comment: This sequence change replaces glycine, which is neutral and non-polar, with arginine, which is basic and polar, at codon 476 of the TBCE protein (p.Gly476Arg). This variant is present in population databases (no rsID available, gnomAD 0.003%). This variant has not been reported in the literature in individuals affected with TBCE-related conditions. Invitae Evidence Modeling of protein sequence and biophysical properties (such as structural, functional, and spatial information, amino acid conservation, physicochemical variation, residue mobility, and thermodynamic stability) indicates that this missense variant is not expected to disrupt TBCE protein function with a negative predictive value of 80%. In summary, the available evidence is currently insufficient to determine the role of this variant in disease. Therefore, it has been classified as a Variant of Uncertain Significance.